The following is an entry in ClinVar:

ClinVar aggregate classification (germline): Uncertain significance (1 of 4 stars; one submission).

Allele frequency attached by ClinVar (database versions not stated): gnomAD exomes below 0.00001; gnomAD 0.00001; TOPMed 0.00003.
gnomAD v4.1: 7 of 1,304,022 alleles (0.00054%); highest among the groups gnomAD compares: East Asian, 0.039%; no homozygotes.

Submission:

Labcorp Genetics (formerly Invitae), Labcorp
Classification: Uncertain significance. Last evaluated: 2023-09-20. Review status: criteria provided, single submitter. Criteria: Invitae Variant Classification Sherloc (09022015). Collection method: clinical testing. Allele origin: germline.
Comment: In summary, the available evidence is currently insufficient to determine the role of this variant in disease. Therefore, it has been classified as a Variant of Uncertain Significance. Experimental studies and prediction algorithms are not available or were not evaluated, and the functional significance of this variant is currently unknown. ClinVar contains an entry for this variant (Variation ID: 1908376). This variant has not been reported in the literature in individuals affected with ERCC6L2-related conditions. This variant is present in population databases (no rsID available, gnomAD 0.05%). This sequence change replaces lysine, which is basic and polar, with arginine, which is basic and polar, at codon 759 of the ERCC6L2 protein (p.Lys759Arg).

NM_020207.7(ERCC6L2):c.2243A>G (p.Lys748Arg)

Gene: ERCC6L2 (ERCC excision repair 6 like 2; plus strand). Cytogenetic location: 9q22.32.
Variant type: single nucleotide variant.
Coding change: c.2243A>G on transcript NM_020207.7 (MANE Select); coding-DNA position 2243, A replaced by G.
Protein change: p.Lys748Arg; replaces lysine 748 with arginine.
Molecular consequence: missense variant. On other transcripts: non-coding transcript variant (1).
Genome position (GRCh38, 1-based): chr9:95,971,994, A>G. VCF-style: chr9-95971994-A-G. GRCh37 (hg19) VCF-style: chr9-98734276-A-G.
Other names: c.2243A>G, p.Lys748Arg (NM_001375291.1, NM_001375292.1, NM_001375293.1 and 1 more transcripts); short protein forms K748R.
Identifiers: ClinVar variation 1908376 (VCV001908376.3), dbSNP rs1458128490, ClinGen allele CA589285270.